The following is an entry in ClinVar:

ClinVar aggregate classification (germline): Uncertain significance (1 of 4 stars; one submission).

Conditions:
Congenital myasthenic syndrome 5. Identifiers: Orphanet 590, MedGen C1864233, MONDO:0011281, OMIM 603034.

Submission:

Labcorp Genetics (formerly Invitae), Labcorp
Classification: Uncertain significance for Congenital myasthenic syndrome 5. Last evaluated: 2025-01-06. Review status: criteria provided, single submitter. Criteria: Invitae Variant Classification Sherloc (09022015). Collection method: clinical testing. Allele origin: germline.
Comment: This sequence change falls in intron 8 of the COLQ gene. It does not directly change the encoded amino acid sequence of the COLQ protein. It affects a nucleotide within the consensus splice site. This variant is not present in population databases (gnomAD no frequency). This variant has not been reported in the literature in individuals affected with COLQ-related conditions. ClinVar contains an entry for this variant (Variation ID: 1043580). Variants that disrupt the consensus splice site are a relatively common cause of aberrant splicing (PMID: 17576681, 9536098). Algorithms developed to predict the effect of sequence changes on RNA splicing suggest that this variant may disrupt the consensus splice site. In summary, the available evidence is currently insufficient to determine the role of this variant in disease. Therefore, it has been classified as a Variant of Uncertain Significance.

Literature cited by the submitters: PubMed 17576681; PubMed 9536098.

NM_005677.4(COLQ):c.555+5G>A

Gene: COLQ (collagen like tail subunit of asymmetric acetylcholinesterase; minus strand). Cytogenetic location: 3p25.1.
Variant type: single nucleotide variant.
Coding change: c.555+5G>A on transcript NM_005677.4 (MANE Select); 5 bases into the intron after coding-DNA position 555, G replaced by A.
Molecular consequence: intron variant.
Genome position (GRCh38, 1-based): chr3:15,474,920, C>T on the plus strand (G>A on the coding strand, the complement: COLQ is on the minus strand). VCF-style: chr3-15474920-C-T. GRCh37 (hg19) VCF-style: chr3-15516427-C-T.
Other names: c.453+5G>A (NM_080539.4); c.525+5G>A (NM_080538.2).
Identifiers: ClinVar variation 1043580 (VCV001043580.6), dbSNP rs765867687, ClinGen allele CA1347591094.
Genomic context (GRCh38, chr3:15,474,920, plus strand): 5'-GTCTCTGATTCCAGAGCCAGTAGCCCAGACCAGGCTCTAGGACACCATCCAAGAAAAGCA[C>T]TAACCTTTTCCCCTCTGGATCCAGGGTAGCCCTAAAAGAAAGCAGAAGGTACATTTACAA-3'